The following is an entry in ClinVar:

ClinVar aggregate classification (germline): Benign/Likely benign. Review status: criteria provided, multiple submitters, no conflicts (2 of 4 stars). 5 submissions from 5 submitters: Benign (2); Likely benign (2). 1 of the submissions does not count toward it. Last evaluated 2026-01-20.

Conditions:
Renal tubular acidosis with progressive nerve deafness. Also called: renal tubular acidosis, distal, 2, with progressive sensorineural hearing loss; Distal Renal Tubular Acidosis with Progressive Sensorineural Deafness; RENAL TUBULAR ACIDOSIS, AUTOSOMAL RECESSIVE, WITH PROGRESSIVE NERVE DEAFNESS; RTA WITH PROGRESSIVE NERVE DEAFNESS. Identifiers: MedGen C0403554, MONDO:0009968, OMIM 267300.

Allele frequency attached by ClinVar (database versions not stated): gnomAD 0.00018 and 0.00036; gnomAD exomes 0.00019 and 0.00066; TOPMed 0.00047; ExAC 0.00061; 1000 Genomes Project 30x 0.00172; 1000 Genomes Project 0.00220.
gnomAD v4.1: 336 of 1,613,872 alleles (0.021%); highest among the groups gnomAD compares: East Asian, 0.63%; 2 homozygotes.

Submissions (5):

Labcorp Genetics (formerly Invitae), Labcorp
Classification: Benign. Last evaluated: 2026-01-20. Review status: criteria provided, single submitter. Criteria: Invitae Variant Classification Sherloc (09022015). Collection method: clinical testing. Allele origin: germline.

Blueprint Genetics
Classification: Likely benign. Last evaluated: 2023-12-04. Review status: criteria provided, single submitter. Criteria: ACMG Guidelines, 2015. Collection method: clinical testing. Allele origin: germline.

GeneDx
Classification: Likely benign. Last evaluated: 2021-03-14. Review status: criteria provided, single submitter. Criteria: GeneDx Variant Classification Process June 2021. Collection method: clinical testing. Allele origin: germline. Affected: yes.

Laboratory for Molecular Medicine, Mass General Brigham Personalized Medicine
Classification: Benign. Last evaluated: 2015-08-12. Review status: criteria provided, single submitter. Criteria: LMM Criteria. Collection method: clinical testing. Allele origin: germline. Observed: 1 variant allele.
Comment: c.785+10C>T in intron 08 of ATP6V1B1: This variant is not expected to have clini cal significance because it is not located within the conserved splice consensus sequence and has been identified in 0.8% (68/8644) of East Asian chromosomes by the Exome Aggregation Consortium (ExAC; dbSNPrs 76241121).

Counsyl
Classification: Likely benign for Renal tubular acidosis with progressive nerve deafness. Last evaluated: 2017-11-26. Review status: no assertion criteria provided. Collection method: clinical testing. Allele origin: unknown. Not counted in ClinVar's aggregate classification.

NM_001692.4(ATP6V1B1):c.785+10C>T

Gene: ATP6V1B1 (ATPase H+ transporting V1 subunit B1; plus strand). Cytogenetic location: 2p13.3.
Variant type: single nucleotide variant.
Coding change: c.785+10C>T on transcript NM_001692.4 (MANE Select); 10 bases into the intron after coding-DNA position 785, C replaced by T.
Molecular consequence: intron variant.
Genome position (GRCh38, 1-based): chr2:70,961,703, C>T. VCF-style: chr2-70961703-C-T. GRCh37 (hg19) VCF-style: chr2-71188833-C-T.
Identifiers: ClinVar variation 226462 (VCV000226462.17), dbSNP rs76241121, ClinGen allele CA1701153.
Genomic context (GRCh38, chr2:70,961,703, plus strand): 5'-TGGAACCATGGGGAACGTCTGCCTCTTCCTGAACTTGGCCAATGACCCCACGTGAGCTTT[C>T]CCTGATGCCCAAACTGCCCTCAGGTGGGCAGACCCCGTCCCCTTCCAAGACCTACAGTAC-3'